The following is an entry in ClinVar:

ClinVar aggregate classification (germline): Likely benign. Review status: criteria provided, multiple submitters, no conflicts (2 of 4 stars). 2 submissions from 2 submitters: Likely benign (2). Last evaluated 2026-07-28.

Conditions:
Hereditary pheochromocytoma and paraganglioma. Also called: Hereditary Paraganglioma-Pheochromocytoma Syndromes; Hereditary paragangliomas and pheochromocytomas; Hereditary pheochromocytoma-paraganglioma. Identifiers: Orphanet 29072, MedGen C4274332, MONDO:0017366.

Allele frequency attached by ClinVar (database versions not stated): TOPMed 0.00001.

Submissions (2):

Myriad Genetics, Inc.
Classification: Likely benign for Hereditary pheochromocytoma and paraganglioma. Last evaluated: 2026-07-28. Review status: criteria provided, single submitter. Criteria: Myriad Autosomal Dominant, Autosomal Recessive and X-Linked Classification Criteria (2023). Collection method: clinical testing. Allele origin: unknown.
Comment: This variant is considered likely benign. This variant is intronic and is not expected to impact mRNA splicing.

Labcorp Genetics (formerly Invitae), Labcorp
Classification: Likely benign for Hereditary pheochromocytoma and paraganglioma. Last evaluated: 2025-12-16. Review status: criteria provided, single submitter. Criteria: Invitae Variant Classification Sherloc (09022015). Collection method: clinical testing. Allele origin: germline.

NM_017849.4(TMEM127):c.410-19C>T

Gene: TMEM127 (transmembrane protein 127; minus strand). Cytogenetic location: 2q11.2.
Variant type: single nucleotide variant.
Coding change: c.410-19C>T on transcript NM_017849.4 (MANE Select); 19 bases into the intron before coding-DNA position 410, C replaced by T.
Molecular consequence: intron variant.
Genome position (GRCh38, 1-based): chr2:96,254,134, G>A on the plus strand (C>T on the coding strand, the complement: TMEM127 is on the minus strand). VCF-style: chr2-96254134-G-A. GRCh37 (hg19) VCF-style: chr2-96919872-G-A.
Other names: c.158-19C>T (NM_001407283.1, NM_001407282.1); c.410-19C>T (NM_001193304.3).
Identifiers: ClinVar variation 2866020 (VCV002866020.4), dbSNP rs1186862689, ClinGen allele CA534634906.